The following is an entry in ClinVar:

NM_004836.7(EIF2AK3):c.328A>G (p.Thr110Ala)

Gene: EIF2AK3 (eukaryotic translation initiation factor 2 alpha kinase 3; minus strand). Cytogenetic location: 2p11.2.
Variant type: single nucleotide variant.
Coding change: c.328A>G on transcript NM_004836.7 (MANE Select); coding-DNA position 328, A replaced by G.
Protein change: p.Thr110Ala; replaces threonine 110 with alanine.
Molecular consequence: missense variant. On other transcripts: 5 prime UTR variant (1).
Genome position (GRCh38, 1-based): chr2:88,613,834, T>C on the plus strand (A>G on the coding strand, the complement: EIF2AK3 is on the minus strand). VCF-style: chr2-88613834-T-C. GRCh37 (hg19) VCF-style: chr2-88913352-T-C.
Other names: c.-126A>G (NM_001313915.2); short protein forms T110A.
Identifiers: ClinVar variation 1516440 (VCV001516440.10), dbSNP rs139901728, ClinGen allele CA1754952.

ClinVar aggregate classification (germline): Uncertain significance. Review status: criteria provided, multiple submitters, no conflicts (2 of 4 stars). 3 submissions from 3 submitters: Uncertain significance (3). Last evaluated 2024-10-25.

Conditions:
Wolcott-Rallison dysplasia. Also called: Wolcott-Rallison syndrome; MED-IDDM SYNDROME. Identifiers: Orphanet 1667, MedGen C0432217, MONDO:0009192, OMIM 226980.

Allele frequency attached by ClinVar (database versions not stated): gnomAD exomes 0.00001 and 0.00002; ExAC 0.00002; ESP Exome Variant Server 0.00008; gnomAD 0.00009; TOPMed 0.00025; 1000 Genomes Project 0.00040; 1000 Genomes Project 30x 0.00047.
gnomAD v4.1: 24 of 1,613,128 alleles (0.0015%); highest among the groups gnomAD compares: Admixed American, 0.032%; no homozygotes.

Submissions (3):

Labcorp Genetics (formerly Invitae), Labcorp
Classification: Uncertain significance. Last evaluated: 2024-10-25. Review status: criteria provided, single submitter. Criteria: Invitae Variant Classification Sherloc (09022015). Collection method: clinical testing. Allele origin: germline.
Comment: This sequence change replaces threonine, which is neutral and polar, with alanine, which is neutral and non-polar, at codon 110 of the EIF2AK3 protein (p.Thr110Ala). This variant is present in population databases (rs139901728, gnomAD 0.01%). This variant has not been reported in the literature in individuals affected with EIF2AK3-related conditions. ClinVar contains an entry for this variant (Variation ID: 1516440). An algorithm developed to predict the effect of missense changes on protein structure and function (PolyPhen-2) suggests that this variant is likely to be disruptive. In summary, the available evidence is currently insufficient to determine the role of this variant in disease. Therefore, it has been classified as a Variant of Uncertain Significance.

Fulgent Genetics
Classification: Uncertain significance for Wolcott-Rallison dysplasia. Last evaluated: 2024-03-29. Review status: criteria provided, single submitter. Criteria: ACMG Guidelines, 2015. Collection method: clinical testing. Allele origin: germline.

New York Genome Center
Classification: Uncertain significance for Wolcott-Rallison dysplasia. Last evaluated: 2021-10-29. Review status: criteria provided, single submitter. Criteria: NYGC Assertion Criteria 2020. Collection method: clinical testing. Allele origin: germline. Observed: 1 heterozygote.